The following is an entry in ClinVar:

NM_001754.5(RUNX1):c.*3021A>G

Gene: RUNX1 (RUNX family transcription factor 1; minus strand). Cytogenetic location: 21q22.12.
Variant type: single nucleotide variant.
Coding change: c.*3021A>G on transcript NM_001754.5 (MANE Select); 3021 bases downstream of the stop codon, A replaced by G.
Molecular consequence: 3 prime UTR variant.
Genome position (GRCh38, 1-based): chr21:34,789,114, T>C on the plus strand (A>G on the coding strand, the complement: RUNX1 is on the minus strand). VCF-style: chr21-34789114-T-C. GRCh37 (hg19) VCF-style: chr21-36161411-T-C.
Other names: c.*3021A>G (NM_001001890.3).
Identifiers: ClinVar variation 339816 (VCV000339816.6), dbSNP rs547268403, ClinGen allele CA10650416.

ClinVar aggregate classification (germline): Likely benign. Review status: reviewed by expert panel (3 of 4 stars). 2 submissions from 2 submitters: Likely benign (1). 1 of the submissions does not count toward it. Last evaluated 2024-09-18.

Conditions:
Hereditary thrombocytopenia and hematologic cancer predisposition syndrome. Identifiers: Orphanet 71290, MedGen CN281654, MONDO:0011071.
Hereditary thrombocytopenia and hematological cancer predisposition syndrome associated with RUNX1. Also called: PLATELET DISORDER, ASPIRIN-LIKE; RUNX1 Familial Platelet Disorder with Associated Myeloid Malignancies; Familial Platelet Disorder with Propensity to Acute Myelogenous Leukemia; Familial thrombocytopenia with propensity to acute myelogenous leukemia. Identifiers: Orphanet 71290, MedGen C1832388, MeSH C563324, MONDO:0100083, OMIM 601399.

Allele frequency attached by ClinVar (database versions not stated): gnomAD 0.00060 and 0.00063; TOPMed 0.00065; gnomAD exomes 0.00109.
gnomAD v4.1: 185 of 233,320 alleles (0.079%); highest among the groups gnomAD compares: Non-Finnish European, 0.076%; 1 homozygote.

Submissions (2):

ClinGen Myeloid Malignancy Variant Curation Expert Panel
Classification: Likely benign for Hereditary thrombocytopenia and hematologic cancer predisposition syndrome. Last evaluated: 2024-09-18. Review status: reviewed by expert panel. Criteria: ClinGen MyeloMalig ACMG Specifications v2. Collection method: curation. Allele origin: germline. Inheritance: Autosomal dominant inheritance.
Comment: NM_001754.5(RUNX1):c.*3021A>G is a substitution in the 3' UTR of RUNX1. Since the variant is located in the 3' UTR, it is not expected to alter the amino acid sequence. The highest continental population minor allele frequency in gnomAD v2, v3, and v4 is 0.0005834 (9/15,428), 0.0006908 (47/68,040), and 0.0007621 (90/118,088), respectively, in the non-Finnish European population (BS1). This variant has been observed in one homozygous individual of Ashkenazi Jewish descent in gnomAD v3/v4, and hereditary thrombocytopenia and hematologic cancer predisposition syndrome is a condition with full penetrance at an early age (BP2). In summary, this variant meets the criteria to be classified as likely benign for hereditary thrombocytopenia and hematologic cancer predisposition syndrome based on the ACMG/AMP criteria applied, as specified by the ClinGen Myeloid Malignancy VCEP: BS1 and BP2.

Illumina Laboratory Services, Illumina
Classification: Uncertain significance for Hereditary thrombocytopenia and hematological cancer predisposition syndrome associated with RUNX1. Last evaluated: 2018-01-13. Review status: criteria provided, single submitter. Criteria: ICSL Variant Classification Criteria 13 December 2019. Collection method: clinical testing. Allele origin: germline. Not counted in ClinVar's aggregate classification.